The following is an entry in ClinVar:

NM_004972.4(JAK2):c.1328G>A (p.Arg443Gln)

Genes: JAK2 (Janus kinase 2; plus strand), INSL6 (insulin like 6; minus strand). Cytogenetic location: 9p24.1.
Variant type: single nucleotide variant.
Coding change: c.1328G>A on transcript NM_004972.4 (MANE Select); coding-DNA position 1328, G replaced by A.
Protein change: p.Arg443Gln; replaces arginine 443 with glutamine.
Molecular consequence: missense variant. On other transcripts: non-coding transcript variant (2).
Genome position (GRCh38, 1-based): chr9:5,069,023, G>A. VCF-style: chr9-5069023-G-A. GRCh37 (hg19) VCF-style: chr9-5069023-G-A.
Other names: c.1328G>A, p.Arg443Gln (NM_001322194.2, NM_001322195.2, NM_001322196.2); c.113G>A, p.Arg38Gln (NM_001322198.2, NM_001322199.2); c.881G>A, p.Arg294Gln (NM_001322204.2); short protein forms R443Q, R294Q, R38Q.
Identifiers: ClinVar variation 4703002 (VCV004703002.1).
Genomic context (GRCh38, chr9:5,069,023, plus strand): 5'-AATCACTGTGATGTCCATTGTGACTATCCCTCCCTTTCTTTATAATTAAACTTATACAGC[G>A]AGAAAATGTCATTGAATATAAACACTGTTTGATTACAAAAAATGAGAATGAAGAGTACAA-3'
Protein context (NP_004963.1, residues 433-453): NKYFLTFAVE[Arg443Gln]ENVIEYKHCL

ClinVar aggregate classification (germline): Uncertain significance (1 of 4 stars; one submission).

gnomAD v4.1: 16 of 1,559,296 alleles (0.001%); highest among the groups gnomAD compares: South Asian, 0.0047%; no homozygotes.

Submission:

Labcorp Genetics (formerly Invitae), Labcorp
Classification: Uncertain significance. Last evaluated: 2025-09-28. Review status: criteria provided, single submitter. Criteria: Invitae Variant Classification Sherloc (09022015). Collection method: clinical testing. Allele origin: germline.
Comment: This sequence change replaces arginine, which is basic and polar, with glutamine, which is neutral and polar, at codon 443 of the JAK2 protein (p.Arg443Gln). This variant is present in population databases (rs753648225, gnomAD 0.006%). This variant has not been reported in the literature in individuals affected with JAK2-related conditions. An algorithm developed to predict the effect of missense changes on protein structure and function (PolyPhen-2) suggests that this variant is likely to be tolerated. In summary, the available evidence is currently insufficient to determine the role of this variant in disease. Therefore, it has been classified as a Variant of Uncertain Significance.